The following is an entry in ClinVar:

NM_144687.4(NLRP12):c.1807_1814del (p.Gly603fs)

Gene: NLRP12 (NLR family pyrin domain containing 12; minus strand). Cytogenetic location: 19q13.42.
Variant type: Deletion.
Coding change: c.1807_1814del on transcript NM_144687.4 (MANE Select); coding-DNA positions 1807 to 1814, 8 bases deleted (GGCTCCAC; older notation c.1807_1814delGGCTCCAC).
Protein change: p.Gly603fs; shifts the reading frame from glycine 603.
Molecular consequence: frameshift variant.
Genome position (GRCh38, 1-based): chr19:53,809,845-53,809,852, GTGGAGCC deleted on the plus strand (GGCTCCAC on the coding strand, the reverse complement: NLRP12 is on the minus strand); deleting any 8 consecutive bases within chr19:53,809,845-53,809,854 gives the same sequence; the c. name uses the placement nearest the transcript's 3' end. VCF-style (leftmost placement, unchanged base first): chr19-53809844-GGTGGAGCC-G. GRCh37 (hg19) VCF-style: chr19-54313098-GGTGGAGCC-G.
Other names: c.1807_1814del, p.Gly603fs (NM_001277126.2, NM_001277129.1); c.1807_1814delGGCTCCAC (NM_144687.3); c.1807_1814del (NM_144687.2); short protein forms G603fs.
Identifiers: ClinVar variation 656932 (VCV000656932.7), dbSNP rs775762941, ClinGen allele CA9639346.

ClinVar aggregate classification (germline): Uncertain significance. Review status: criteria provided, multiple submitters, no conflicts (2 of 4 stars). 2 submissions from 2 submitters: Uncertain significance (2). Last evaluated 2026-02-06.

Conditions:
Familial cold autoinflammatory syndrome 2 (FCAS2). Identifiers: Orphanet 247868, MedGen C2673198, MONDO:0012724, OMIM 611762.

Submissions (2):

GeneDx
Classification: Uncertain significance. Last evaluated: 2026-02-06. Review status: criteria provided, single submitter. Criteria: GeneDx Variant Classification Process June 2021. Collection method: clinical testing. Allele origin: germline.
Comment: Not observed at significant frequency in large population cohorts (gnomAD); Frameshift variant predicted to result in protein truncation or nonsense mediated decay in a gene or region of a gene for which loss of function is not a well-established mechanism of disease; Has not been previously published as pathogenic or benign to our knowledge

Labcorp Genetics (formerly Invitae), Labcorp
Classification: Uncertain significance for Familial cold autoinflammatory syndrome 2. Last evaluated: 2025-11-22. Review status: criteria provided, single submitter. Criteria: Invitae Variant Classification Sherloc (09022015). Collection method: clinical testing. Allele origin: germline.
Comment: This sequence change creates a premature translational stop signal (p.Gly603Profs*98) in the NLRP12 gene. It is expected to result in an absent or disrupted protein product. However, the current clinical and genetic evidence is not sufficient to establish whether loss-of-function variants in NLRP12 cause disease. This variant is present in population databases (rs775762941, gnomAD 0.003%). This variant has not been reported in the literature in individuals affected with NLRP12-related conditions. ClinVar contains an entry for this variant (Variation ID: 656932). In summary, the available evidence is currently insufficient to determine the role of this variant in disease. Therefore, it has been classified as a Variant of Uncertain Significance.